The following is an entry in ClinVar:

ClinVar aggregate classification (germline): Uncertain significance (1 of 4 stars; one submission).

Submission:

Labcorp Genetics (formerly Invitae), Labcorp
Classification: Uncertain significance. Last evaluated: 2025-12-10. Review status: criteria provided, single submitter. Criteria: Invitae Variant Classification Sherloc (09022015). Collection method: clinical testing. Allele origin: germline.
Comment: This sequence change replaces serine, which is neutral and polar, with phenylalanine, which is neutral and non-polar, at codon 84 of the FRMD5 protein (p.Ser84Phe). This variant is not present in population databases (gnomAD no frequency). This variant has not been reported in the literature in individuals affected with FRMD5-related conditions. An algorithm developed to predict the effect of missense changes on protein structure and function (PolyPhen-2) suggests that this variant is likely to be disruptive. In summary, the available evidence is currently insufficient to determine the role of this variant in disease. Therefore, it has been classified as a Variant of Uncertain Significance.

NM_032892.5(FRMD5):c.251C>T (p.Ser84Phe)

Gene: FRMD5 (FERM domain containing 5; minus strand). Cytogenetic location: 15q15.3.
Variant type: single nucleotide variant.
Coding change: c.251C>T on transcript NM_032892.5 (MANE Select); coding-DNA position 251, C replaced by T.
Protein change: p.Ser84Phe; replaces serine 84 with phenylalanine.
Molecular consequence: missense variant. On other transcripts: 5 prime UTR variant (2), non-coding transcript variant (1).
Genome position (GRCh38, 1-based): chr15:43,919,537, G>A on the plus strand (C>T on the coding strand, the complement: FRMD5 is on the minus strand). VCF-style: chr15-43919537-G-A. GRCh37 (hg19) VCF-style: chr15-44211735-G-A.
Other names: c.-17C>T (NM_001286490.2); c.-771C>T (NM_001286491.2); c.251C>T, p.Ser84Phe (NM_001322949.2, NM_001322950.2, NM_001411124.1); c.146C>T, p.Ser49Phe (NM_001322951.2); short protein forms S84F, S49F.
Identifiers: ClinVar variation 4732965 (VCV004732965.1).